The following is an entry in ClinVar:

ClinVar aggregate classification (germline): Pathogenic/Likely pathogenic. Review status: criteria provided, multiple submitters, no conflicts (2 of 4 stars). 4 submissions from 4 submitters: Pathogenic (2); Likely pathogenic (2). Last evaluated 2026-04-10.

Conditions:
Bardet-Biedl syndrome 3 (BBS3). Identifiers: Orphanet 110, MedGen C1859564, MONDO:0010832, OMIM 600151.
ARL6-related disorder. Also called: ARL6-related condition.
Retinitis pigmentosa 55 (RP55). Identifiers: Orphanet 791, MedGen C3150808, MONDO:0013312, OMIM 613575.

Submissions (4):

PreventionGenetics, part of Exact Sciences
Classification: Likely pathogenic for ARL6-related condition. Last evaluated: 2026-04-10. Review status: criteria provided, single submitter. Criteria: ACMG Guidelines, 2015. Collection method: clinical testing. Allele origin: germline.
Comment: The ARL6 c.228C>G variant is predicted to result in premature protein termination (p.Tyr76*). This variant has been reported in the homozygous state in an individual with Bardet-Biedl syndrome (Table S1, Villafuerte-de la Cruz et al. 2024. PubMed ID: 38347443). This variant has not been reported in a large population database (gnomAD), indicating it is rare. Nonsense variants in ARL6 are expected to be pathogenic. This variant is interpreted as likely pathogenic.

Labcorp Genetics (formerly Invitae), Labcorp
Classification: Pathogenic for Retinitis pigmentosa 55; Bardet-Biedl syndrome 3. Last evaluated: 2023-07-15. Review status: criteria provided, single submitter. Criteria: Invitae Variant Classification Sherloc (09022015). Collection method: clinical testing. Allele origin: germline.
Comment: For these reasons, this variant has been classified as Pathogenic. ClinVar contains an entry for this variant (Variation ID: 1028925). This variant has not been reported in the literature in individuals affected with ARL6-related conditions. This variant is not present in population databases (gnomAD no frequency). This sequence change creates a premature translational stop signal (p.Tyr76*) in the ARL6 gene. It is expected to result in an absent or disrupted protein product. Loss-of-function variants in ARL6 are known to be pathogenic (PMID: 15258860, 19858128, 20142850, 22334370, 27486776, 31736247).

Blueprint Genetics
Classification: Likely pathogenic for ARL6-related disorders. Last evaluated: 2022-05-24. Review status: criteria provided, single submitter. Criteria: ACMG Guidelines, 2015. Collection method: clinical testing. Allele origin: germline. Affected: yes. Observed: 1 variant allele.

Baylor Genetics
Classification: Pathogenic for Bardet-Biedl syndrome 3. Last evaluated: 2019-09-13. Review status: criteria provided, single submitter. Criteria: ACMG Guidelines, 2015. Collection method: clinical testing. Allele origin: unknown. Affected: yes.
Comment: This variant was determined to be pathogenic according to ACMG Guidelines, 2015 [PMID:25741868].

Literature cited by the submitters: PubMed 15258860 (cited by Labcorp Genetics (formerly Invitae), Labcorp); PubMed 19858128 (cited by Labcorp Genetics (formerly Invitae), Labcorp); PubMed 20142850 (cited by Labcorp Genetics (formerly Invitae), Labcorp); PubMed 22334370 (cited by Labcorp Genetics (formerly Invitae), Labcorp); PubMed 27486776 (cited by Labcorp Genetics (formerly Invitae), Labcorp); PubMed 31736247 (cited by Labcorp Genetics (formerly Invitae), Labcorp).

NM_001278293.3(ARL6):c.228C>G (p.Tyr76Ter)

Gene: ARL6 (ARF like GTPase 6; plus strand). Cytogenetic location: 3q11.2.
Variant type: single nucleotide variant.
Coding change: c.228C>G on transcript NM_001278293.3 (MANE Select); coding-DNA position 228, C replaced by G.
Protein change: p.Tyr76Ter; replaces tyrosine 76 with a stop codon.
Molecular consequence: nonsense. On other transcripts: non-coding transcript variant (7).
Genome position (GRCh38, 1-based): chr3:97,780,657, C>G. VCF-style: chr3-97780657-C-G. GRCh37 (hg19) VCF-style: chr3-97499501-C-G.
Other names: c.228C>G, p.Tyr76Ter (NM_001323513.2, NM_001323514.2, NM_032146.5 and 1 more transcripts); short protein forms Y76*.
Identifiers: ClinVar variation 1028925 (VCV001028925.9), dbSNP rs2037147164, ClinGen allele CA353586185.